The following is an entry in ClinVar:

NM_020822.3(KCNT1):c.2522+3G>T

Gene: KCNT1 (potassium sodium-activated channel subfamily T member 1; plus strand). Cytogenetic location: 9q34.3.
Variant type: single nucleotide variant.
Coding change: c.2522+3G>T on transcript NM_020822.3 (MANE Select); 3 bases into the intron after coding-DNA position 2522, G replaced by T.
Molecular consequence: intron variant.
Genome position (GRCh38, 1-based): chr9:135,777,513, G>T. VCF-style: chr9-135777513-G-T. GRCh37 (hg19) VCF-style: chr9-138669359-G-T.
Other names: c.2387+3G>T (NM_001272003.2).
Identifiers: ClinVar variation 2012209 (VCV002012209.4), dbSNP rs1588381370, ClinGen allele CA2580080110.

ClinVar aggregate classification (germline): Uncertain significance (1 of 4 stars; one submission).

Conditions:
Autosomal dominant nocturnal frontal lobe epilepsy 5. Also called: CILIARY DYSKINESIA, PRIMARY, 28, WITH SITUS INVERSUS; CILIARY DYSKINESIA, PRIMARY, 28, WITHOUT SITUS INVERSUS; KCNT1-Related Epilepsy; Epilepsy, nocturnal frontal lobe, 5. Identifiers: Orphanet 98784, MedGen C3554306, MONDO:0014002, OMIM 615005.
Developmental and epileptic encephalopathy, 14 (DEE14). Also called: Early infantile epileptic encephalopathy 14. Identifiers: Orphanet 293181, MedGen C3554195, MONDO:0013989, OMIM 614959.

Submission:

Labcorp Genetics (formerly Invitae), Labcorp
Classification: Uncertain significance for Autosomal dominant nocturnal frontal lobe epilepsy 5; Developmental and epileptic encephalopathy, 14. Last evaluated: 2025-03-03. Review status: criteria provided, single submitter. Criteria: Invitae Variant Classification Sherloc (09022015). Collection method: clinical testing. Allele origin: germline.
Comment: This sequence change falls in intron 21 of the KCNT1 gene. It does not directly change the encoded amino acid sequence of the KCNT1 protein. It affects a nucleotide within the consensus splice site. This variant is not present in population databases (gnomAD no frequency). This variant has not been reported in the literature in individuals affected with KCNT1-related conditions. ClinVar contains an entry for this variant (Variation ID: 2012209). Variants that disrupt the consensus splice site are a relatively common cause of aberrant splicing (PMID: 17576681, 9536098). Algorithms developed to predict the effect of sequence changes on RNA splicing suggest that this variant may disrupt the consensus splice site. In summary, the available evidence is currently insufficient to determine the role of this variant in disease. Therefore, it has been classified as a Variant of Uncertain Significance.

Literature cited by the submitters: PubMed 17576681; PubMed 9536098.